The following is an entry in ClinVar:

ClinVar aggregate classification (germline): Conflicting classifications of pathogenicity. Review status: criteria provided, conflicting classifications (1 of 4 stars). 9 submissions from 9 submitters: Uncertain significance (1); Benign (3); Likely benign (4). 1 of the submissions does not count toward it. Last evaluated 2026-05-20.

Conditions:
Inborn genetic diseases. Identifiers: MedGen C0950123, MeSH D030342.
Cutis laxa, X-linked (OHS). Also called: EDS IX; Occipital horn syndrome. Identifiers: Orphanet 198, MedGen C0268353, MONDO:0010572, OMIM 304150.
X-linked distal spinal muscular atrophy type 3. Also called: SPINAL MUSCULAR ATROPHY, DISTAL, X-LINKED RECESSIVE; ATP7A-Related Distal Motor Neuropathy; NEURONOPATHY, DISTAL HEREDITARY MOTOR, X-LINKED; NEUROPATHY, DISTAL HEREDITARY MOTOR, X-LINKED. Identifiers: Orphanet 139557, MedGen C1845359, MONDO:0010338, OMIM 300489.
Menkes kinky-hair syndrome (MNK). Also called: Classic Menkes Disease; Menkes Disease; Copper transport disease. Identifiers: Orphanet 565, MedGen C0022716, MONDO:0010651, OMIM 309400.

Allele frequency attached by ClinVar (database versions not stated): gnomAD exomes 0.00013 and 0.00033; ExAC 0.00039; 1000 Genomes Project 0.00079; 1000 Genomes Project 30x 0.00083; gnomAD 0.00087 and 0.00089; TOPMed 0.00110; ESP Exome Variant Server 0.00123.
gnomAD v4.1: 257 of 1,206,180 alleles (0.021%); highest among the groups gnomAD compares: African/African-American, 0.3%; 1 homozygote.

Submissions (9):

Women's Health and Genetics/Laboratory Corporation of America, LabCorp
Classification: Likely benign. Last evaluated: 2026-05-20. Review status: criteria provided, single submitter. Criteria: LabCorp Variant Classification Summary - May 2015. Collection method: clinical testing. Allele origin: germline.
Comment: Variant summary: ATP7A c.1955G>A (p.Arg652Gln) results in a conservative amino acid change in the encoded protein sequence. Algorithms developed to predict the effect of missense changes on protein structure and function all suggest that this variant is likely to be tolerated. The variant allele was found at a frequency of 0.00033 in 183134 control chromosomes, predominantly at a frequency of 0.003 within the African or African-American subpopulation in the gnomAD database, including 9 hemizygotes. The observed variant frequency within African or African-American control individuals in the gnomAD database exceeds the estimated maximal expected allele frequency for disease-causing variants in ATP7A. To our knowledge, no occurrence of c.1955G>A in individuals affected with ATP7A-related conditions and no experimental evidence demonstrating its impact on protein function have been reported. ClinVar contains an entry for this variant (Variation ID: 284222). Based on the evidence outlined above, the variant was classified as likely benign.

Labcorp Genetics (formerly Invitae), Labcorp
Classification: Likely benign for X-linked distal spinal muscular atrophy type 3; Cutis laxa, X-linked; Menkes kinky-hair syndrome. Last evaluated: 2026-01-14. Review status: criteria provided, single submitter. Criteria: Invitae Variant Classification Sherloc (09022015). Collection method: clinical testing. Allele origin: germline.

Mayo Clinic Laboratories, Mayo Clinic
Classification: Benign. Last evaluated: 2025-10-01. Review status: criteria provided, single submitter. Criteria: ACMG Guidelines, 2015. Collection method: clinical testing. Allele origin: germline. Observed: 3 variant alleles.
Comment: BS1, BS2

Blueprint Genetics
Classification: Likely benign. Last evaluated: 2024-11-27. Review status: criteria provided, single submitter. Criteria: ACMG Guidelines, 2015. Collection method: clinical testing. Allele origin: germline.

Ambry Genetics
Classification: Benign for Inborn genetic diseases. Last evaluated: 2022-11-14. Review status: criteria provided, single submitter. Criteria: Ambry Variant Classification Scheme 2023. Collection method: clinical testing. Allele origin: germline.

CeGaT Center for Human Genetics Tuebingen
Classification: Likely benign. Last evaluated: 2022-07-01. Review status: criteria provided, single submitter. Criteria: CeGaT Center For Human Genetics Tuebingen Variant Classification Criteria Version 2. Collection method: clinical testing. Allele origin: germline. Affected: yes. Observed: 1 variant allele.
Comment: ATP7A: BS1

GeneDx
Classification: Benign. Last evaluated: 2020-07-19. Review status: criteria provided, single submitter. Criteria: GeneDx Variant Classification Process June 2021. Collection method: clinical testing. Allele origin: germline. Affected: yes.

Eurofins Ntd Llc (ga)
Classification: Uncertain significance. Last evaluated: 2015-11-18. Review status: criteria provided, single submitter. Criteria: EGL Classification Definitions 2015. Collection method: clinical testing. Allele origin: germline. Observed: 1 variant allele, 1 heterozygote.

Natera, Inc.
Classification: Likely benign for Distal spinal muscular atrophy, X-linked 3; Cutis laxa, X-linked; Menkes kinky-hair syndrome. Last evaluated: 2020-09-16. Review status: no assertion criteria provided. Collection method: clinical testing. Allele origin: germline. Not counted in ClinVar's aggregate classification.

NM_000052.7(ATP7A):c.1955G>A (p.Arg652Gln)

Gene: ATP7A (ATPase copper transporting alpha; plus strand). Cytogenetic location: Xq21.1.
Variant type: single nucleotide variant.
Coding change: c.1955G>A on transcript NM_000052.7 (MANE Select); coding-DNA position 1955, G replaced by A.
Protein change: p.Arg652Gln; replaces arginine 652 with glutamine.
Molecular consequence: missense variant.
Genome position (GRCh38, 1-based): chrX:78,011,457, G>A. VCF-style: chrX-78011457-G-A. GRCh37 (hg19) VCF-style: chrX-77266954-G-A.
Other names: p.Arg652Gln; c.1955G>A, p.Arg652Gln (NM_001282224.2); short protein forms R652Q.
Identifiers: ClinVar variation 284222 (VCV000284222.49), dbSNP rs143214563, ClinGen allele CA10459180.